The following is an entry in ClinVar:

ClinVar aggregate classification (germline): Uncertain significance (1 of 4 stars; one submission).

Submission:

Labcorp Genetics (formerly Invitae), Labcorp
Classification: Uncertain significance. Last evaluated: 2023-12-18. Review status: criteria provided, single submitter. Criteria: Invitae Variant Classification Sherloc (09022015). Collection method: clinical testing. Allele origin: germline.
Comment: This sequence change replaces histidine, which is basic and polar, with aspartic acid, which is acidic and polar, at codon 158 of the PPP2R5D protein (p.His158Asp). This variant is not present in population databases (gnomAD no frequency). This variant has not been reported in the literature in individuals affected with PPP2R5D-related conditions. An algorithm developed to predict the effect of missense changes on protein structure and function (PolyPhen-2) suggests that this variant is likely to be tolerated. In summary, the available evidence is currently insufficient to determine the role of this variant in disease. Therefore, it has been classified as a Variant of Uncertain Significance.

NM_006245.4(PPP2R5D):c.472C>G (p.His158Asp)

Gene: PPP2R5D (protein phosphatase 2 regulatory subunit B'delta; plus strand). Cytogenetic location: 6p21.1.
Variant type: single nucleotide variant.
Coding change: c.472C>G on transcript NM_006245.4 (MANE Select); coding-DNA position 472, C replaced by G.
Protein change: p.His158Asp; replaces histidine 158 with aspartic acid.
Molecular consequence: missense variant.
Genome position (GRCh38, 1-based): chr6:43,007,060, C>G. VCF-style: chr6-43007060-C-G. GRCh37 (hg19) VCF-style: chr6-42974798-C-G.
Other names: c.19C>G, p.His7Asp (NM_001270476.2); c.376C>G, p.His126Asp (NM_180976.3); c.154C>G, p.His52Asp (NM_180977.3); short protein forms H126D, H158D, H7D, H52D.
Identifiers: ClinVar variation 2703902 (VCV002703902.3), dbSNP rs2532474205, ClinGen allele CA364183484.